The following is an entry in ClinVar:

NM_021729.6(VPS11):c.1972C>T (p.Arg658Cys)

Gene: VPS11 (VPS11 core subunit of CORVET and HOPS complexes; plus strand). Cytogenetic location: 11q23.3.
Variant type: single nucleotide variant.
Coding change: c.1972C>T on transcript NM_021729.6 (MANE Select); coding-DNA position 1972, C replaced by T.
Protein change: p.Arg658Cys; replaces arginine 658 with cysteine.
Molecular consequence: missense variant. On other transcripts: non-coding transcript variant (8).
Genome position (GRCh38, 1-based): chr11:119,078,613, C>T. VCF-style: chr11-119078613-C-T. GRCh37 (hg19) VCF-style: chr11-118949323-C-T.
Other names: c.1942C>T, p.Arg648Cys (NM_001290185.2); c.1984C>T, p.Arg662Cys (NM_001378218.1, NM_001378219.1); c.1957C>T, p.Arg653Cys (NM_001378220.1); c.1954C>T, p.Arg652Cys (NM_001378221.1); short protein forms R648C, R653C, R662C, R652C, R658C.
Identifiers: ClinVar variation 1476224 (VCV001476224.4), dbSNP rs782680297, ClinGen allele CA229638211.

ClinVar aggregate classification (germline): Uncertain significance (1 of 4 stars; one submission).

Allele frequency attached by ClinVar (database versions not stated): gnomAD 0.00001; gnomAD exomes 0.00001 and 0.00006; TOPMed 0.00003.
gnomAD v4.1: 85 of 1,613,692 alleles (0.0053%); highest among the groups gnomAD compares: Non-Finnish European, 0.007%; no homozygotes.

Submission:

Labcorp Genetics (formerly Invitae), Labcorp
Classification: Uncertain significance. Last evaluated: 2025-03-31. Review status: criteria provided, single submitter. Criteria: Invitae Variant Classification Sherloc (09022015). Collection method: clinical testing. Allele origin: germline.
Comment: This sequence change replaces arginine, which is basic and polar, with cysteine, which is neutral and slightly polar, at codon 658 of the VPS11 protein (p.Arg658Cys). This variant is present in population databases (rs782680297, gnomAD 0.005%). This variant has not been reported in the literature in individuals affected with VPS11-related conditions. ClinVar contains an entry for this variant (Variation ID: 1476224). Invitae Evidence Modeling of protein sequence and biophysical properties (such as structural, functional, and spatial information, amino acid conservation, physicochemical variation, residue mobility, and thermodynamic stability) indicates that this missense variant is not expected to disrupt VPS11 protein function with a negative predictive value of 80%. In summary, the available evidence is currently insufficient to determine the role of this variant in disease. Therefore, it has been classified as a Variant of Uncertain Significance.